The following is an entry in ClinVar:

ClinVar aggregate classification (germline): Benign/Likely benign. Review status: criteria provided, multiple submitters, no conflicts (2 of 4 stars). 3 submissions from 3 submitters: Benign (1); Likely benign (2). Last evaluated 2026-06-22.

Conditions:
Retinoblastoma (RB1). Also called: RETINOBLASTOMA, SOMATIC. Identifiers: Orphanet 790, MedGen C0035335, MeSH D012175, MONDO:0008380, OMIM 180200, HP:0009919. Disease mechanism: loss of function. Inheritance: Both sporadic and heritable forms are tested..
Hereditary cancer-predisposing syndrome. Also called: Neoplastic Syndromes, Hereditary; Tumor predisposition; Hereditary Cancer Syndrome; Hereditary neoplastic syndrome. Identifiers: Orphanet 140162, MedGen C0027672, MeSH D009386, MONDO:0015356.

Allele frequency attached by ClinVar (database versions not stated): gnomAD exomes 0.00002 and 0.00011; ExAC 0.00011.
gnomAD v4.1: 35 of 1,614,232 alleles (0.0022%); highest among the groups gnomAD compares: South Asian, 0.029%; no homozygotes.

Submissions (3):

Myriad Genetics, Inc.
Classification: Likely benign for Retinoblastoma. Last evaluated: 2026-06-22. Review status: criteria provided, single submitter. Criteria: Myriad Autosomal Dominant, Autosomal Recessive and X-Linked Classification Criteria (2023). Collection method: clinical testing. Allele origin: unknown.
Comment: This variant is considered likely benign. This variant has been observed at a population frequency that is significantly greater than expected given the associated disease prevalence and penetrance.

Ambry Genetics
Classification: Benign for Hereditary cancer-predisposing syndrome. Last evaluated: 2025-02-10. Review status: criteria provided, single submitter. Criteria: Ambry Variant Classification Scheme 2023. Collection method: clinical testing. Allele origin: germline.

Labcorp Genetics (formerly Invitae), Labcorp
Classification: Likely benign for Retinoblastoma. Last evaluated: 2024-12-02. Review status: criteria provided, single submitter. Criteria: Invitae Variant Classification Sherloc (09022015). Collection method: clinical testing. Allele origin: germline.

NM_000321.3(RB1):c.1888A>G (p.Thr630Ala)

Gene: RB1 (RB transcriptional corepressor 1; plus strand). Cytogenetic location: 13q14.2.
Variant type: single nucleotide variant.
Coding change: c.1888A>G on transcript NM_000321.3 (MANE Select); coding-DNA position 1888, A replaced by G.
Protein change: p.Thr630Ala; replaces threonine 630 with alanine.
Molecular consequence: missense variant.
Genome position (GRCh38, 1-based): chr13:48,456,277, A>G. VCF-style: chr13-48456277-A-G. GRCh37 (hg19) VCF-style: chr13-49030413-A-G.
Other names: c.1888A>G (NM_000321.2); short protein forms T630A.
Identifiers: ClinVar variation 1132431 (VCV001132431.11), dbSNP rs781691254, ClinGen allele CA032983.